The following is an entry in ClinVar:

NM_000059.4(BRCA2):c.10093G>T (p.Val3365Phe)

Gene: BRCA2 (BRCA2 DNA repair associated; plus strand). Cytogenetic location: 13q13.1.
Variant type: single nucleotide variant.
Coding change: c.10093G>T on transcript NM_000059.4 (MANE Select); coding-DNA position 10093, G replaced by T.
Protein change: p.Val3365Phe; replaces valine 3365 with phenylalanine.
Molecular consequence: missense variant. On other transcripts: non-coding transcript variant (1).
Genome position (GRCh38, 1-based): chr13:32,398,606, G>T. VCF-style: chr13-32398606-G-T. GRCh37 (hg19) VCF-style: chr13-32972743-G-T.
Other names: c.9997G>T, p.Val3333Phe (NM_001406719.1); c.10042G>T, p.Val3348Phe (NM_001406720.1); c.5161G>T, p.Val1721Phe (NM_001406721.1); c.3676G>T, p.Val1226Phe (NM_001406722.1); short protein forms V3348F, V3365F, V1226F, V1721F, V3333F.
Identifiers: ClinVar variation 2747015 (VCV002747015.4), dbSNP rs2137666500, ClinGen allele CA387767972.

ClinVar aggregate classification (germline): Uncertain significance. Review status: criteria provided, multiple submitters, no conflicts (2 of 4 stars). 2 submissions from 2 submitters: Uncertain significance (2). Last evaluated 2024-04-28.

Conditions:
Hereditary cancer-predisposing syndrome. Also called: Hereditary Cancer Syndrome; Neoplastic Syndromes, Hereditary; Tumor predisposition; Hereditary neoplastic syndrome. Identifiers: Orphanet 140162, MedGen C0027672, MeSH D009386, MONDO:0015356.
Hereditary breast ovarian cancer syndrome. Also called: BRCA1- and BRCA2-Associated Hereditary Breast and Ovarian Cancer; Breast and ovarian cancer; Hereditary breast and/or ovarian cancer syndrome; Hereditary breast and ovarian cancer; Hereditary breast and ovarian cancer syndrome (HBOC); Hereditary breast and ovarian cancer syndrome. Identifiers: Orphanet 145, MedGen C0677776, MeSH D061325, MONDO:0003582. Disease mechanism: loss of function.

Submissions (2):

Ambry Genetics
Classification: Uncertain significance for Hereditary cancer-predisposing syndrome. Last evaluated: 2024-04-28. Review status: criteria provided, single submitter. Criteria: Ambry Variant Classification Scheme 2023. Collection method: clinical testing. Allele origin: germline.
Comment: The p.V3365F variant (also known as c.10093G>T), located in coding exon 26 of the BRCA2 gene, results from a G to T substitution at nucleotide position 10093. The valine at codon 3365 is replaced by phenylalanine, an amino acid with highly similar properties. This amino acid position is conserved. In addition, this alteration is predicted to be tolerated by in silico analysis. Based on the available evidence, the clinical significance of this variant remains unclear.

Labcorp Genetics (formerly Invitae), Labcorp
Classification: Uncertain significance for Hereditary breast ovarian cancer syndrome. Last evaluated: 2023-07-26. Review status: criteria provided, single submitter. Criteria: Invitae Variant Classification Sherloc (09022015). Collection method: clinical testing. Allele origin: germline.
Comment: In summary, the available evidence is currently insufficient to determine the role of this variant in disease. Therefore, it has been classified as a Variant of Uncertain Significance. RNA analysis performed to evaluate the impact of this missense change on mRNA splicing indicates it does not significantly alter splicing (Invitae). Advanced modeling of protein sequence and biophysical properties (such as structural, functional, and spatial information, amino acid conservation, physicochemical variation, residue mobility, and thermodynamic stability) performed at Invitae indicates that this missense variant is not expected to disrupt BRCA2 protein function. This variant has not been reported in the literature in individuals affected with BRCA2-related conditions. This variant is not present in population databases (gnomAD no frequency). This sequence change replaces valine, which is neutral and non-polar, with phenylalanine, which is neutral and non-polar, at codon 3365 of the BRCA2 protein (p.Val3365Phe).